The following is an entry in ClinVar:

ClinVar aggregate classification (germline): Pathogenic/Likely pathogenic. Review status: criteria provided, multiple submitters, no conflicts (2 of 4 stars). 5 submissions from 5 submitters: Pathogenic (2); Likely pathogenic (3). Last evaluated 2026-09-10.

Conditions:
Hereditary spastic paraplegia 7 (SPG7). Also called: Spastic paraplegia 7; Hereditary spastic paraplegia Paraplegin type; Autosomal recessive spastic paraplegia type 7; SPG7-related neurologic disorder; SPASTIC PARAPLEGIA 7, AUTOSOMAL RECESSIVE, WITH OR WITHOUT CEREBELLAR ATAXIA. Identifiers: Orphanet 99013, MedGen C1846564, MONDO:0011803, OMIM 607259.
SPG7-related disorder. Also called: SPG7-related condition.

Submissions (5):

PreventionGenetics, part of Exact Sciences
Classification: Likely pathogenic for SPG7-related condition. Last evaluated: 2026-09-10. Review status: criteria provided, single submitter. Criteria: ACMG Guidelines, 2015. Collection method: clinical testing. Allele origin: germline.
Comment: The SPG7 c.335_336insTA variant is predicted to result in a frameshift and premature protein termination (p.Glu112Aspfs*42). This variant has been reported in an individual from a rare disease whole genome sequencing cohort; however, clinical details were not provided (Table S7, Stranneheim et al. 2021. PubMed ID: 33726816). This variant is reported in 0.014% of alleles in individuals of European (non-Finnish) descent in gnomAD. Frameshift variants in SPG7 are expected to be pathogenic. This variant is interpreted as likely pathogenic.

Labcorp Genetics (formerly Invitae), Labcorp
Classification: Pathogenic for Hereditary spastic paraplegia 7. Last evaluated: 2024-11-19. Review status: criteria provided, single submitter. Criteria: Invitae Variant Classification Sherloc (09022015). Collection method: clinical testing. Allele origin: germline.
Comment: This sequence change creates a premature translational stop signal (p.Glu112Aspfs*42) in the SPG7 gene. It is expected to result in an absent or disrupted protein product. Loss-of-function variants in SPG7 are known to be pathogenic (PMID: 21623769, 22964162). This variant is present in population databases (rs752830674, gnomAD 0.01%). This variant has not been reported in the literature in individuals affected with SPG7-related conditions. For these reasons, this variant has been classified as Pathogenic.

Blueprint Genetics
Classification: Pathogenic for SPG7-related disorders. Last evaluated: 2024-09-03. Review status: criteria provided, single submitter. Criteria: ACMG Guidelines, 2015. Collection method: clinical testing. Allele origin: germline. Affected: yes. Observed: 5 variant alleles.

Fulgent Genetics
Classification: Likely pathogenic for Hereditary spastic paraplegia 7. Last evaluated: 2024-06-01. Review status: criteria provided, single submitter. Criteria: ACMG Guidelines, 2015. Collection method: clinical testing. Allele origin: germline.

PROSPAX: an integrated multimodal progression  chart in spastic ataxias, Center for Neurology; Hertie-Institute for Clinical Brain Research
Classification: Likely pathogenic for Hereditary spastic paraplegia 7. Last evaluated: 2022-01-01. Review status: criteria provided, single submitter. Criteria: ACMG Guidelines, 2015. Collection method: research. Allele origin: germline. Affected: yes.
Comment: Variant seen in compound het: [c.335_336insTA;c.1672A>T]

Literature cited by the submitters: PubMed 21623769 (cited by Labcorp Genetics (formerly Invitae), Labcorp); PubMed 22964162 (cited by Labcorp Genetics (formerly Invitae), Labcorp).

NM_003119.4(SPG7):c.335_336insTA (p.Glu112fs)

Gene: SPG7 (SPG7 matrix AAA peptidase subunit, paraplegin; plus strand). Cytogenetic location: 16q24.3.
Variant type: Insertion.
Coding change: c.335_336insTA on transcript NM_003119.4 (MANE Select); coding-DNA positions 335 to 336, TA inserted.
Protein change: p.Glu112fs; shifts the reading frame from glutamic acid 112.
Molecular consequence: frameshift variant.
Genome position: GRCh38 VCF-style: chr16-89512995-G-GAT. GRCh37 (hg19) VCF-style: chr16-89579403-G-GAT.
Other names: c.335_336insTA, p.Glu112fs (NM_001363850.1, NM_199367.3); c.335_336insTA (NM_003119.3); short protein forms E112fs.
Identifiers: ClinVar variation 3242521 (VCV003242521.6).